The following is an entry in ClinVar:

NM_001205254.2(OCLN):c.252C>T (p.Ala84=)

Gene: OCLN (occludin; plus strand). Cytogenetic location: 5q13.2.
Variant type: single nucleotide variant.
Coding change: c.252C>T on transcript NM_001205254.2 (MANE Select); coding-DNA position 252, C replaced by T.
Protein change: p.Ala84=; no amino-acid change (alanine 84 retained).
Molecular consequence: synonymous variant. On other transcripts: intron variant (1).
Genome position (GRCh38, 1-based): chr5:69,509,342, C>T. VCF-style: chr5-69509342-C-T. GRCh37 (hg19) VCF-style: chr5-68805169-C-T.
Other names: p.Ala84=; c.252C>T, p.Ala84= (NM_001410743.1, NM_001438048.1, NM_001438604.1 and 1 more transcripts); c.-24-4606C>T (NM_001205255.2).
Identifiers: ClinVar variation 4684842 (VCV004684842.1).

ClinVar aggregate classification (germline): Likely benign (1 of 4 stars; one submission).

gnomAD v4.1: 87 of 1,614,042 alleles (0.0054%); highest among the groups gnomAD compares: Non-Finnish European, 0.0068%; no homozygotes.

Submission:

Mayo Clinic Laboratories, Mayo Clinic
Classification: Likely benign. Last evaluated: 2025-04-02. Review status: criteria provided, single submitter. Criteria: ACMG Guidelines, 2015. Collection method: clinical testing. Allele origin: germline. Observed: 2 variant alleles.
Comment: BP4, BP7